The following is an entry in ClinVar:

ClinVar aggregate classification (germline): Likely benign. Review status: criteria provided, multiple submitters, no conflicts (2 of 4 stars). 3 submissions from 3 submitters: Likely benign (2). 1 of the submissions does not count toward it. Last evaluated 2018-05-03.

Conditions:
GALNT11-related disorder. Also called: GALNT11-related condition.

Allele frequency attached by ClinVar (database versions not stated): gnomAD 0.00173 and 0.00170; gnomAD exomes 0.00198 and 0.00292; TOPMed 0.00198; ExAC 0.00216; ESP Exome Variant Server 0.00238; 1000 Genomes Project 0.00120; 1000 Genomes Project 30x 0.00125.
gnomAD v4.1: 4,507 of 1,613,408 alleles (0.28%); highest among the groups gnomAD compares: Middle Eastern, 0.58%; 14 homozygotes.

Submissions (3):

Labcorp Genetics (formerly Invitae), Labcorp
Classification: Likely benign. Last evaluated: 2018-05-03. Review status: criteria provided, single submitter. Criteria: Invitae Variant Classification Sherloc (09022015). Collection method: clinical testing. Allele origin: germline.

Breakthrough Genomics
Classification: Likely benign. Review status: criteria provided, single submitter. Criteria: ACMG Guidelines, 2015. Collection method: not provided. Allele origin: germline. Inheritance: Unknown mechanism. Affected: yes.

PreventionGenetics, part of Exact Sciences
Classification: Likely benign for GALNT11-related condition. Last evaluated: 2023-04-28. Review status: no assertion criteria provided. Collection method: clinical testing. Allele origin: germline. Not counted in ClinVar's aggregate classification.
Comment: This variant is classified as likely benign based on ACMG/AMP sequence variant interpretation guidelines (Richards et al. 2015 PMID: 25741868, with internal and published modifications).

NM_022087.4(GALNT11):c.53C>T (p.Ala18Val)

Gene: GALNT11 (polypeptide N-acetylgalactosaminyltransferase 11; plus strand). Cytogenetic location: 7q36.1.
Variant type: single nucleotide variant.
Coding change: c.53C>T on transcript NM_022087.4 (MANE Select); coding-DNA position 53, C replaced by T.
Protein change: p.Ala18Val; replaces alanine 18 with valine.
Molecular consequence: missense variant. On other transcripts: non-coding transcript variant (4), intron variant (4).
Genome position (GRCh38, 1-based): chr7:152,094,280, C>T. VCF-style: chr7-152094280-C-T. GRCh37 (hg19) VCF-style: chr7-151791365-C-T.
Other names: c.53C>T, p.Ala18Val (NM_001371458.1, NM_001371459.1, NM_001371460.1 and 12 more transcripts); c.-205-40C>T (NM_001371468.1, NM_001371469.1, NM_001371470.1); c.53-6518C>T (NM_001304514.2); short protein forms A18V.
Identifiers: ClinVar variation 721662 (VCV000721662.6), dbSNP rs146627996, ClinGen allele CA4577744.